The following is an entry in ClinVar:

ClinVar aggregate classification (germline): Uncertain significance (1 of 4 stars; one submission).

Conditions:
Hereditary nonpolyposis colorectal neoplasms. Identifiers: MedGen C0009405, MeSH D003123.

Submission:

Labcorp Genetics (formerly Invitae), Labcorp
Classification: Uncertain significance for Hereditary nonpolyposis colorectal neoplasms. Last evaluated: 2018-09-10. Review status: criteria provided, single submitter. Criteria: Invitae Variant Classification Sherloc (09022015). Collection method: clinical testing. Allele origin: germline.
Comment: This variant results in a copy number gain of the genomic region encompassing exons 8-15 of the PMS2 gene. The 5' boundary is likely confined to intron 7. The 3' end of this event is unknown as it extends beyond the assayed region for this gene and therefore may encompass additional genes. As the precise location of this event is unknown, it may be in tandem or it may be located elsewhere in the genome. Similar gain of exons 8-15 has not been reported in the literature in individuals with PMS2-related disease. Experimental studies and prediction algorithms are not available for this variant, and the functional significance of the affected amino acid(s) is currently unknown. In summary, the available evidence is currently insufficient to determine the role of this variant in disease. Therefore, it has been classified as a Variant of Uncertain Significance.

NC_000007.13:g.(?_6013020)_(6022632_?)dup

Gene: PMS2 (PMS1 homolog 2, mismatch repair system component; minus strand). Cytogenetic location: 7p22.1.
Variant type: Duplication.
Identifiers: ClinVar variation 656821 (VCV000656821.3).